The following is an entry in ClinVar:

NM_004260.4(RECQL4):c.2966T>C (p.Met989Thr)

Gene: RECQL4 (RecQ like helicase 4; minus strand). Cytogenetic location: 8q24.3.
Variant type: single nucleotide variant.
Coding change: c.2966T>C on transcript NM_004260.4 (MANE Select); coding-DNA position 2966, T replaced by C.
Protein change: p.Met989Thr; replaces methionine 989 with threonine.
Molecular consequence: missense variant.
Genome position (GRCh38, 1-based): chr8:144,512,481, A>G on the plus strand (T>C on the coding strand, the complement: RECQL4 is on the minus strand). VCF-style: chr8-144512481-A-G. GRCh37 (hg19) VCF-style: chr8-145737864-A-G.
Other names: short protein forms M989T.
Identifiers: ClinVar variation 1053672 (VCV001053672.5), dbSNP rs767220757, ClinGen allele CA16622038.

ClinVar aggregate classification (germline): Uncertain significance (1 of 4 stars; one submission).

Conditions:
Baller-Gerold syndrome (BGS). Also called: CRANIOSYNOSTOSIS WITH RADIAL DEFECTS. Identifiers: Orphanet 1225, MedGen C0265308, MONDO:0009039, OMIM 218600.

gnomAD v4.1: 6 of 1,612,396 alleles (0.00037%); highest among the groups gnomAD compares: South Asian, 0.0022%; no homozygotes.

Submission:

Labcorp Genetics (formerly Invitae), Labcorp
Classification: Uncertain significance for Baller-Gerold syndrome. Last evaluated: 2025-09-02. Review status: criteria provided, single submitter. Criteria: Invitae Variant Classification Sherloc (09022015). Collection method: clinical testing. Allele origin: germline.
Comment: This sequence change replaces methionine, which is neutral and non-polar, with threonine, which is neutral and polar, at codon 989 of the RECQL4 protein (p.Met989Thr). This variant is present in population databases (no rsID available, gnomAD 0.01%). This variant has not been reported in the literature in individuals affected with RECQL4-related conditions. ClinVar contains an entry for this variant (Variation ID: 1053672). Invitae Evidence Modeling of protein sequence and biophysical properties (such as structural, functional, and spatial information, amino acid conservation, physicochemical variation, residue mobility, and thermodynamic stability) indicates that this missense variant is not expected to disrupt RECQL4 protein function with a negative predictive value of 80%. In summary, the available evidence is currently insufficient to determine the role of this variant in disease. Therefore, it has been classified as a Variant of Uncertain Significance.